The following is an entry in ClinVar:

NM_001009185.3(ACSL6):c.1951A>G (p.Thr651Ala)

Gene: ACSL6 (acyl-CoA synthetase long chain family member 6; minus strand). Cytogenetic location: 5q31.1.
Variant type: single nucleotide variant.
Coding change: c.1951A>G on transcript NM_001009185.3 (MANE Select); coding-DNA position 1951, A replaced by G.
Protein change: p.Thr651Ala; replaces threonine 651 with alanine.
Molecular consequence: missense variant. On other transcripts: non-coding transcript variant (3).
Genome position (GRCh38, 1-based): chr5:131,960,528, T>C on the plus strand (A>G on the coding strand, the complement: ACSL6 is on the minus strand). VCF-style: chr5-131960528-T-C. GRCh37 (hg19) VCF-style: chr5-131296221-T-C.
Other names: c.1846A>G, p.Thr616Ala (NM_001205247.2, NM_001405485.1); c.1876A>G, p.Thr626Ala (NM_001205248.2, NM_001405479.1, NM_001405480.1 and 4 more transcripts); c.1909A>G, p.Thr637Ala (NM_001205250.1, NM_001405478.1); c.1651A>G, p.Thr551Ala (NM_001205251.2, NM_001405490.1); c.1945A>G, p.Thr649Ala (NM_001405475.1); c.1921A>G, p.Thr641Ala (NM_001405476.1); c.1915A>G, p.Thr639Ala (NM_001405477.1); c.1792A>G, p.Thr598Ala (NM_001405486.1); and 2 more; short protein forms T551A, T591A, T598A, T616A, T626A, T637A, T639A, T641A.
Identifiers: ClinVar variation 3054397 (VCV003054397.2), dbSNP rs200587334, ClinGen allele CA3401157.

ClinVar aggregate classification (germline): Likely benign (0 of 4 stars; one submission).

Conditions:
ACSL6-related disorder. Also called: ACSL6-related condition.

Allele frequency attached by ClinVar (database versions not stated): TOPMed 0.00012; gnomAD 0.00016; 1000 Genomes Project 0.00140; ExAC 0.00031; 1000 Genomes Project 30x 0.00125.
gnomAD v4.1: 198 of 1,613,580 alleles (0.012%); highest among the groups gnomAD compares: East Asian, 0.43%; no homozygotes.

Submission:

PreventionGenetics, part of Exact Sciences
Classification: Likely benign for ACSL6-related condition. Last evaluated: 2023-06-08. Review status: no assertion criteria provided. Collection method: clinical testing. Allele origin: germline.
Comment: This variant is classified as likely benign based on ACMG/AMP sequence variant interpretation guidelines (Richards et al. 2015 PMID: 25741868, with internal and published modifications).